The following is an entry in ClinVar:

ClinVar aggregate classification (germline): Benign (1 of 4 stars; one submission).

Conditions:
Familial colorectal cancer type X. Identifiers: Orphanet 440437, MedGen C3896578, MONDO:0018604.

Submission:

Myriad Genetics, Inc.
Classification: Benign for Familial colorectal cancer type X. Last evaluated: 2026-08-04. Review status: criteria provided, single submitter. Criteria: Myriad Autosomal Dominant, Autosomal Recessive and X-Linked Classification Criteria (2023). Collection method: clinical testing. Allele origin: unknown.
Comment: This variant is considered benign. This variant is a silent/synonymous amino acid change and it is not expected to impact splicing.

NM_001146227.3(RPS20):c.417A>G (p.Thr139=)

Gene: RPS20 (ribosomal protein S20; minus strand). Cytogenetic location: 8q12.1.
Variant type: single nucleotide variant.
Coding change: c.417A>G on transcript NM_001146227.3; coding-DNA position 417, A replaced by G.
Protein change: p.Thr139=; no amino-acid change (threonine 139 retained).
Molecular consequence: synonymous variant.
Genome position (GRCh38, 1-based): chr8:56,069,750, T>C on the plus strand (A>G on the coding strand, the complement: RPS20 is on the minus strand). VCF-style: chr8-56069750-T-C. GRCh37 (hg19) VCF-style: chr8-56982309-T-C.
Identifiers: ClinVar variation 5042241 (VCV005042241.1).